The following is an entry in ClinVar:

NM_001367624.2(ZNF469):c.3379A>T (p.Thr1127Ser)

Gene: ZNF469 (zinc finger protein 469; plus strand). Cytogenetic location: 16q24.2.
Variant type: single nucleotide variant.
Coding change: c.3379A>T on transcript NM_001367624.2 (MANE Select); coding-DNA position 3379, A replaced by T.
Protein change: p.Thr1127Ser; replaces threonine 1127 with serine.
Molecular consequence: missense variant.
Genome position (GRCh38, 1-based): chr16:88,430,849, A>T. VCF-style: chr16-88430849-A-T. GRCh37 (hg19) VCF-style: chr16-88497257-A-T.
Other names: NM_001127464.1:c.3295A>T; short protein forms T1127S.
Identifiers: ClinVar variation 1729877 (VCV001729877.2), dbSNP rs1397146862, ClinGen allele CA397083668.

ClinVar aggregate classification (germline): Uncertain significance (1 of 4 stars; one submission).

Conditions:
Cardiovascular phenotype. Identifiers: MedGen CN230736.

Allele frequency attached by ClinVar (database versions not stated): TOPMed below 0.00001.
gnomAD v4.1: 19 of 1,536,258 alleles (0.0012%); highest among the groups gnomAD compares: Non-Finnish European, 0.0017%; no homozygotes.

Submission:

Ambry Genetics
Classification: Uncertain significance for Cardiovascular phenotype. Last evaluated: 2022-07-06. Review status: criteria provided, single submitter. Criteria: Ambry Variant Classification Scheme 2023. Collection method: clinical testing. Allele origin: germline.
Comment: The p.T1099S variant (also known as c.3295A>T), located in coding exon 2 of the ZNF469 gene, results from an A to T substitution at nucleotide position 3295. The threonine at codon 1099 is replaced by serine, an amino acid with similar properties. This amino acid position is conserved. In addition, this alteration is predicted to be tolerated by in silico analysis. Since supporting evidence is limited at this time, the clinical significance of this alteration remains unclear.